The following is an entry in ClinVar:

ClinVar aggregate classification (germline): Uncertain significance (1 of 4 stars; one submission).

Submission:

GeneDx
Classification: Uncertain significance. Last evaluated: 2024-03-22. Review status: criteria provided, single submitter. Criteria: GeneDx Variant Classification Process June 2021. Collection method: clinical testing. Allele origin: germline. Affected: yes.
Comment: Not observed at significant frequency in large population cohorts (gnomAD); In silico analysis supports that this missense variant has a deleterious effect on protein structure/function; Has not been previously published as pathogenic or benign to our knowledge

NM_001458.5(FLNC):c.7489G>A (p.Gly2497Arg)

Genes: FLNC (filamin C; plus strand), FLNC-AS1 (FLNC antisense RNA 1; minus strand). Cytogenetic location: 7q32.1.
Variant type: single nucleotide variant.
Coding change: c.7489G>A on transcript NM_001458.5 (MANE Select); coding-DNA position 7489, G replaced by A.
Protein change: p.Gly2497Arg; replaces glycine 2497 with arginine.
Molecular consequence: missense variant.
Genome position (GRCh38, 1-based): chr7:128,856,849, G>A. VCF-style: chr7-128856849-G-A. GRCh37 (hg19) VCF-style: chr7-128496903-G-A.
Other names: c.7390G>A, p.Gly2464Arg (NM_001127487.2); short protein forms G2464R, G2497R.
Identifiers: ClinVar variation 3371202 (VCV003371202.1).